The following is an entry in ClinVar:

ClinVar aggregate classification (germline): Uncertain significance (1 of 4 stars; one submission).

Conditions:
Neutropenia, severe congenital, 2, autosomal dominant. Identifiers: Orphanet 486, MedGen C2751288, MONDO:0013139, OMIM 613107.

Submission:

Labcorp Genetics (formerly Invitae), Labcorp
Classification: Uncertain significance for Neutropenia, severe congenital, 2, autosomal dominant. Last evaluated: 2024-07-31. Review status: criteria provided, single submitter. Criteria: Invitae Variant Classification Sherloc (09022015). Collection method: clinical testing. Allele origin: germline.
Comment: This sequence change replaces glycine, which is neutral and non-polar, with alanine, which is neutral and non-polar, at codon 178 of the GFI1 protein (p.Gly178Ala). This variant is not present in population databases (gnomAD no frequency). This variant has not been reported in the literature in individuals affected with GFI1-related conditions. ClinVar contains an entry for this variant (Variation ID: 1501248). Advanced modeling of protein sequence and biophysical properties (such as structural, functional, and spatial information, amino acid conservation, physicochemical variation, residue mobility, and thermodynamic stability) performed at Invitae indicates that this missense variant is not expected to disrupt GFI1 protein function with a negative predictive value of 80%. In summary, the available evidence is currently insufficient to determine the role of this variant in disease. Therefore, it has been classified as a Variant of Uncertain Significance.

NM_005263.5(GFI1):c.533G>C (p.Gly178Ala)

Gene: GFI1 (growth factor independent 1 transcriptional repressor; minus strand). Cytogenetic location: 1p22.1.
Variant type: single nucleotide variant.
Coding change: c.533G>C on transcript NM_005263.5 (MANE Select); coding-DNA position 533, G replaced by C.
Protein change: p.Gly178Ala; replaces glycine 178 with alanine.
Molecular consequence: missense variant.
Genome position (GRCh38, 1-based): chr1:92,480,854, C>G on the plus strand (G>C on the coding strand, the complement: GFI1 is on the minus strand). VCF-style: chr1-92480854-C-G. GRCh37 (hg19) VCF-style: chr1-92946411-C-G.
Other names: c.533G>C, p.Gly178Ala (NM_001127215.3, NM_001127216.3); short protein forms G178A.
Identifiers: ClinVar variation 1501248 (VCV001501248.8), dbSNP rs1329086426, ClinGen allele CA341149643.